The following is an entry in ClinVar:

ClinVar aggregate classification (germline): Uncertain significance. Review status: criteria provided, multiple submitters, no conflicts (2 of 4 stars). 2 submissions from 2 submitters: Uncertain significance (2). Last evaluated 2025-05-11.

Conditions:
Inborn genetic diseases. Identifiers: MedGen C0950123, MeSH D030342.
Baller-Gerold syndrome (BGS). Also called: CRANIOSYNOSTOSIS WITH RADIAL DEFECTS. Identifiers: Orphanet 1225, MedGen C0265308, MONDO:0009039, OMIM 218600.

Allele frequency attached by ClinVar (database versions not stated): gnomAD exomes 0.00001 and 0.00002; ExAC 0.00005.
gnomAD v4.1: 22 of 1,590,616 alleles (0.0014%); highest among the groups gnomAD compares: Non-Finnish European, 0.0019%; no homozygotes.

Submissions (2):

Labcorp Genetics (formerly Invitae), Labcorp
Classification: Uncertain significance for Baller-Gerold syndrome. Last evaluated: 2025-05-11. Review status: criteria provided, single submitter. Criteria: Invitae Variant Classification Sherloc (09022015). Collection method: clinical testing. Allele origin: germline.
Comment: This sequence change replaces leucine, which is neutral and non-polar, with phenylalanine, which is neutral and non-polar, at codon 640 of the RECQL4 protein (p.Leu640Phe). This variant is present in population databases (rs766559898, gnomAD 0.002%). This variant has not been reported in the literature in individuals affected with RECQL4-related conditions. ClinVar contains an entry for this variant (Variation ID: 846834). Invitae Evidence Modeling of protein sequence and biophysical properties (such as structural, functional, and spatial information, amino acid conservation, physicochemical variation, residue mobility, and thermodynamic stability) indicates that this missense variant is expected to disrupt RECQL4 protein function with a positive predictive value of 80%. In summary, the available evidence is currently insufficient to determine the role of this variant in disease. Therefore, it has been classified as a Variant of Uncertain Significance.

Ambry Genetics
Classification: Uncertain significance for Inborn genetic diseases. Last evaluated: 2024-11-22. Review status: criteria provided, single submitter. Criteria: Ambry Variant Classification Scheme 2023. Collection method: clinical testing. Allele origin: germline.
Comment: The p.L640F variant (also known as c.1918C>T), located in coding exon 12 of the RECQL4 gene, results from a C to T substitution at nucleotide position 1918. The leucine at codon 640 is replaced by phenylalanine, an amino acid with highly similar properties. This amino acid position is conserved. In addition, the in silico prediction for this alteration is inconclusive. Based on the available evidence, the clinical significance of this variant remains unclear.

NM_004260.4(RECQL4):c.1918C>T (p.Leu640Phe)

Gene: RECQL4 (RecQ like helicase 4; minus strand). Cytogenetic location: 8q24.3.
Variant type: single nucleotide variant.
Coding change: c.1918C>T on transcript NM_004260.4 (MANE Select); coding-DNA position 1918, C replaced by T.
Protein change: p.Leu640Phe; replaces leucine 640 with phenylalanine.
Molecular consequence: missense variant.
Genome position (GRCh38, 1-based): chr8:144,514,068, G>A on the plus strand (C>T on the coding strand, the complement: RECQL4 is on the minus strand). VCF-style: chr8-144514068-G-A. GRCh37 (hg19) VCF-style: chr8-145739452-G-A.
Other names: short protein forms L640F.
Identifiers: ClinVar variation 846834 (VCV000846834.6), dbSNP rs766559898, ClinGen allele CA4948574.